The following is an entry in ClinVar:

NM_031935.3(HMCN1):c.369T>C (p.Ile123=)

Gene: HMCN1 (hemicentin 1; plus strand). Cytogenetic location: 1q31.1.
Variant type: single nucleotide variant.
Coding change: c.369T>C on transcript NM_031935.3 (MANE Select); coding-DNA position 369, T replaced by C.
Protein change: p.Ile123=; no amino-acid change (isoleucine 123 retained).
Molecular consequence: synonymous variant.
Genome position (GRCh38, 1-based): chr1:185,864,499, T>C. VCF-style: chr1-185864499-T-C. GRCh37 (hg19) VCF-style: chr1-185833631-T-C.
Identifiers: ClinVar variation 745026 (VCV000745026.12), dbSNP rs114305799, ClinGen allele CA1290819.
Genomic context (GRCh38, chr1:185,864,499, plus strand): 5'-ACGTAATTGAATTTTTCTCTCCACTCAACAGGGTGGTGGTGATTGCCCAGAAATGAGTAT[T>C]GGAGCTATAAAAATTGCCTTGGAAATTTCTCTTCCTGGTTCTTTCATCTATGTTTTCACT-3'
Protein context (NP_114141.2, residues 113-133): QGGGDCPEMS[Ile123=]GAIKIALEIS

ClinVar aggregate classification (germline): Benign/Likely benign. Review status: criteria provided, multiple submitters, no conflicts (2 of 4 stars). 3 submissions from 3 submitters: Benign (1); Likely benign (1). 1 of the submissions does not count toward it. Last evaluated 2026-01-24.

Conditions:
HMCN1-related disorder. Also called: HMCN1-related condition.

Allele frequency attached by ClinVar (database versions not stated): gnomAD exomes 0.00046 and 0.00101; TOPMed 0.00065; ExAC 0.00097; 1000 Genomes Project 30x 0.00109; 1000 Genomes Project 0.00120; gnomAD 0.00122 and 0.00128; ESP Exome Variant Server 0.00123.
gnomAD v4.1: 871 of 1,614,052 alleles (0.054%); highest among the groups gnomAD compares: African/African-American, 0.17%; 3 homozygotes.

Submissions (3):

Labcorp Genetics (formerly Invitae), Labcorp
Classification: Benign. Last evaluated: 2026-01-24. Review status: criteria provided, single submitter. Criteria: Invitae Variant Classification Sherloc (09022015). Collection method: clinical testing. Allele origin: germline.

Blueprint Genetics
Classification: Likely benign. Last evaluated: 2024-10-23. Review status: criteria provided, single submitter. Criteria: ACMG Guidelines, 2015. Collection method: clinical testing. Allele origin: germline.

PreventionGenetics, part of Exact Sciences
Classification: Benign for HMCN1-related condition. Last evaluated: 2019-07-17. Review status: no assertion criteria provided. Collection method: clinical testing. Allele origin: germline. Not counted in ClinVar's aggregate classification.
Comment: This variant is classified as benign based on ACMG/AMP sequence variant interpretation guidelines (Richards et al. 2015 PMID: 25741868, with internal and published modifications).